The following is an entry in ClinVar:

ClinVar aggregate classification (germline): Uncertain significance (1 of 4 stars; one submission).

Conditions:
Hereditary cancer-predisposing syndrome. Also called: Neoplastic Syndromes, Hereditary; Tumor predisposition; Hereditary Cancer Syndrome; Hereditary neoplastic syndrome. Identifiers: Orphanet 140162, MedGen C0027672, MeSH D009386, MONDO:0015356.

Submission:

Color Diagnostics, LLC DBA Color Health
Classification: Uncertain significance for Hereditary cancer-predisposing syndrome. Last evaluated: 2019-07-23. Review status: criteria provided, single submitter. Criteria: ACMG Guidelines, 2015. Collection method: clinical testing. Allele origin: germline.
Comment: This missense variant replaces valine with glutamic acid at codon 354 of the SMAD4 protein. Computational prediction tools and conservation analyses suggest that this variant may have deleterious impact on the protein function. Computational splicing tools suggest that this variant may not impact RNA splicing. To our knowledge, functional assays have not been performed for this variant. This variant has been detected as circulating tumor DNA in an individual affected with with advanced hepatocellular carcinoma (PMID: 29487225). This variant has not been identified in the general population by the Genome Aggregation Database (gnomAD). Available evidence is insufficient to determine the role of this variant in disease conclusively. Therefore, this variant is classified as a Variant of Uncertain Significance.

NM_005359.6(SMAD4):c.1061T>A (p.Val354Glu)

Gene: SMAD4 (SMAD family member 4; plus strand). Cytogenetic location: 18q21.2.
Variant type: single nucleotide variant.
Coding change: c.1061T>A on transcript NM_005359.6 (MANE Select); coding-DNA position 1061, T replaced by A.
Protein change: p.Val354Glu; replaces valine 354 with glutamic acid.
Molecular consequence: missense variant.
Genome position (GRCh38, 1-based): chr18:51,065,528, T>A. VCF-style: chr18-51065528-T-A. GRCh37 (hg19) VCF-style: chr18-48591898-T-A.
Other names: short protein forms V354E.
Identifiers: ClinVar variation 925363 (VCV000925363.3), dbSNP rs1910123460, ClinGen allele CA402464304.
Genomic context (GRCh38, chr18:51,065,528, plus strand): 5'-AGGTAGGAGAGACATTTAAGGTTCCTTCAAGCTGCCCTATTGTTACTGTTGATGGATACG[T>A]GGACCCTTCTGGAGGAGATCGCTTTTGTTTGGGTCAACTCTCCAATGTCCACAGGACAGA-3'
Protein context (NP_005350.1, residues 344-364): SCPIVTVDGY[Val354Glu]DPSGGDRFCL